The following is an entry in ClinVar:

ClinVar aggregate classification (germline): Uncertain significance. Review status: criteria provided, multiple submitters, no conflicts (2 of 4 stars). 2 submissions from 2 submitters: Uncertain significance (2). Last evaluated 2025-10-02.

Conditions:
Inborn genetic diseases. Identifiers: MedGen C0950123, MeSH D030342.

Allele frequency attached by ClinVar (database versions not stated): TOPMed 0.00007; gnomAD 0.00009; gnomAD exomes 0.00014; ESP Exome Variant Server 0.00023; ExAC 0.00011.
gnomAD v4.1: 206 of 1,612,698 alleles (0.013%); highest among the groups gnomAD compares: Non-Finnish European, 0.017%; no homozygotes.

Submissions (2):

Women's Health and Genetics/Laboratory Corporation of America, LabCorp
Classification: Uncertain significance. Last evaluated: 2025-10-02. Review status: criteria provided, single submitter. Criteria: LabCorp Variant Classification Summary - May 2015. Collection method: clinical testing. Allele origin: germline.
Comment: Variant summary: ATAD3A c.622C>T (p.Arg208Cys) results in a non-conservative amino acid change in the encoded protein sequence. Algorithms developed to predict the effect of missense changes on protein structure and function are either unavailable or do not agree on the potential impact of this missense change. The variant allele was found at a frequency of 6.8e-05 in 249994 control chromosomes. This frequency is not significantly higher than estimated for disease-causing variants in ATAD3A, allowing no conclusion about variant significance. To our knowledge, no occurrence of c.622C>T in individuals affected with ATAD3A-related conditions and no experimental evidence demonstrating its impact on protein function have been reported. ClinVar contains an entry for this variant (Variation ID: 2339265). Based on the evidence outlined above, the variant was classified as uncertain significance.

Ambry Genetics
Classification: Uncertain significance for Inborn genetic diseases. Last evaluated: 2021-06-18. Review status: criteria provided, single submitter. Criteria: Ambry Variant Classification Scheme 2023. Collection method: clinical testing. Allele origin: germline.

NM_001170535.3(ATAD3A):c.622C>T (p.Arg208Cys)

Gene: ATAD3A (ATPase family AAA domain containing 3A; plus strand). Cytogenetic location: 1p36.33.
Variant type: single nucleotide variant.
Coding change: c.622C>T on transcript NM_001170535.3 (MANE Select); coding-DNA position 622, C replaced by T.
Protein change: p.Arg208Cys; replaces arginine 208 with cysteine.
Molecular consequence: missense variant.
Genome position (GRCh38, 1-based): chr1:1,520,248, C>T. VCF-style: chr1-1520248-C-T. GRCh37 (hg19) VCF-style: chr1-1455628-C-T.
Other names: c.385C>T, p.Arg129Cys (NM_001170536.3); c.766C>T, p.Arg256Cys (NM_018188.5); short protein forms R208C, R129C, R256C.
Identifiers: ClinVar variation 2339265 (VCV002339265.3), dbSNP rs201410640, ClinGen allele CA525870.